The following is an entry in ClinVar:

ClinVar aggregate classification (germline): Likely benign (1 of 4 stars; one submission).

Allele frequency attached by ClinVar (database versions not stated): gnomAD 0.01548 and 0.01560; TOPMed 0.01732; 1000 Genomes Project 0.02316.
gnomAD v4.1: 2,350 of 152,276 alleles (1.5%); highest among the groups gnomAD compares: African/African-American, 4.4%; 49 homozygotes.

Submission:

GeneDx
Classification: Likely benign. Last evaluated: 2021-12-21. Review status: criteria provided, single submitter. Criteria: GeneDx Variant Classification Process June 2021. Collection method: clinical testing. Allele origin: germline. Affected: yes.
Comment: See Variant Classification Assertion Criteria.

NM_014165.4(NDUFAF4):c.137-397T>A

Gene: NDUFAF4 (NADH:ubiquinone oxidoreductase complex assembly factor 4; minus strand). Cytogenetic location: 6q16.1.
Variant type: single nucleotide variant.
Coding change: c.137-397T>A on transcript NM_014165.4 (MANE Select); 397 bases into the intron before coding-DNA position 137, T replaced by A.
Molecular consequence: intron variant.
Genome position (GRCh38, 1-based): chr6:96,897,244, A>T on the plus strand (T>A on the coding strand, the complement: NDUFAF4 is on the minus strand). VCF-style: chr6-96897244-A-T. GRCh37 (hg19) VCF-style: chr6-97345120-A-T.
Identifiers: ClinVar variation 1693025 (VCV001693025.2), dbSNP rs117997949, ClinGen allele CA144203167.